The following is an entry in ClinVar:

NM_032193.4(RNASEH2C):c.358A>G (p.Ile120Val)

Gene: RNASEH2C (ribonuclease H2 subunit C; minus strand). Cytogenetic location: 11q13.1.
Variant type: single nucleotide variant.
Coding change: c.358A>G on transcript NM_032193.4 (MANE Select); coding-DNA position 358, A replaced by G.
Protein change: p.Ile120Val; replaces isoleucine 120 with valine.
Molecular consequence: missense variant.
Genome position (GRCh38, 1-based): chr11:65,720,155, T>C on the plus strand (A>G on the coding strand, the complement: RNASEH2C is on the minus strand). VCF-style: chr11-65720155-T-C. GRCh37 (hg19) VCF-style: chr11-65487626-T-C.
Other names: short protein forms I120V.
Identifiers: ClinVar variation 1038638 (VCV001038638.6), dbSNP rs145783593, ClinGen allele CA6107703.

ClinVar aggregate classification (germline): Uncertain significance. Review status: criteria provided, multiple submitters, no conflicts (2 of 4 stars). 3 submissions from 3 submitters: Uncertain significance (3). Last evaluated 2023-11-14.

Conditions:
Inborn genetic diseases. Identifiers: MedGen C0950123, MeSH D030342.
Aicardi-Goutieres syndrome 3. Identifiers: Orphanet 51, MedGen C1835916, MONDO:0012471, OMIM 610329.

Allele frequency attached by ClinVar (database versions not stated): ExAC 0.00006; TOPMed 0.00006; gnomAD 0.00007 and 0.00008; ESP Exome Variant Server 0.00015; 1000 Genomes Project 30x 0.00016; 1000 Genomes Project 0.00020.
gnomAD v4.1: 72 of 1,614,226 alleles (0.0045%); highest among the groups gnomAD compares: Middle Eastern, 0.033%; no homozygotes.

Submissions (3):

Ambry Genetics
Classification: Uncertain significance for Inborn genetic diseases. Last evaluated: 2023-11-14. Review status: criteria provided, single submitter. Criteria: Ambry Variant Classification Scheme 2023. Collection method: clinical testing. Allele origin: germline.

Labcorp Genetics (formerly Invitae), Labcorp
Classification: Uncertain significance for Aicardi-Goutieres syndrome 3. Last evaluated: 2022-10-24. Review status: criteria provided, single submitter. Criteria: Invitae Variant Classification Sherloc (09022015). Collection method: clinical testing. Allele origin: germline.
Comment: This sequence change replaces isoleucine, which is neutral and non-polar, with valine, which is neutral and non-polar, at codon 120 of the RNASEH2C protein (p.Ile120Val). This variant is present in population databases (rs145783593, gnomAD 0.02%). This variant has not been reported in the literature in individuals affected with RNASEH2C-related conditions. ClinVar contains an entry for this variant (Variation ID: 1038638). Algorithms developed to predict the effect of missense changes on protein structure and function output the following: SIFT: "Tolerated"; PolyPhen-2: "Benign"; Align-GVGD: "Class C0". The valine amino acid residue is found in multiple mammalian species, which suggests that this missense change does not adversely affect protein function. In summary, the available evidence is currently insufficient to determine the role of this variant in disease. Therefore, it has been classified as a Variant of Uncertain Significance.

GeneDx
Classification: Uncertain significance. Last evaluated: 2019-10-16. Review status: criteria provided, single submitter. Criteria: GeneDx Variant Classification Process June 2021. Collection method: clinical testing. Allele origin: germline. Affected: yes.
Comment: In silico analysis, which includes protein predictors and evolutionary conservation, supports that this variant does not alter protein structure/function; Has not been previously published as pathogenic or benign to our knowledge